The following is an entry in ClinVar:

NM_005708.5(GPC6):c.1601G>A (p.Arg534His)

Gene: GPC6 (glypican 6; plus strand). Cytogenetic location: 13q32.1.
Variant type: single nucleotide variant.
Coding change: c.1601G>A on transcript NM_005708.5 (MANE Select); coding-DNA position 1601, G replaced by A.
Protein change: p.Arg534His; replaces arginine 534 with histidine.
Molecular consequence: missense variant.
Genome position (GRCh38, 1-based): chr13:94,403,150, G>A. VCF-style: chr13-94403150-G-A. GRCh37 (hg19) VCF-style: chr13-95055404-G-A.
Other names: short protein forms R534H.
Identifiers: ClinVar variation 312555 (VCV000312555.10), dbSNP rs142131323, ClinGen allele CA7017228.
Genomic context (GRCh38, chr13:94,403,150, plus strand): 5'-CCACAGAGGCCCCCGCAGTGGATCCCGACCGGAGAGAGGTGGACTCTTCTGCAGCCCAGC[G>A]TGGCCACTCCCTGCTCTCCTGGTCTCTCACCTGCATTGTCCTGGCACTGCAGAGACTGTG-3'
Protein context (NP_005699.1, residues 524-544): RREVDSSAAQ[Arg534His]GHSLLSWSLT

ClinVar aggregate classification (germline): Uncertain significance. Review status: criteria provided, multiple submitters, no conflicts (2 of 4 stars). 3 submissions from 3 submitters: Uncertain significance (3). Last evaluated 2025-04-14.

Conditions:
Autosomal recessive omodysplasia (OMOD1). Also called: MICROMELIC DYSPLASIA, CONGENITAL, WITH DISLOCATION OF RADIUS. Identifiers: Orphanet 2733, Orphanet 93329, MedGen C1850318, MONDO:0009779, OMIM 258315.
Inborn genetic diseases. Identifiers: MedGen C0950123, MeSH D030342.

Allele frequency attached by ClinVar (database versions not stated): gnomAD exomes 0.00005 and 0.00011; TOPMed 0.00008; ExAC 0.00009; gnomAD 0.00011 and 0.00013; ESP Exome Variant Server 0.00015; 1000 Genomes Project 30x 0.00016; 1000 Genomes Project 0.00020.
gnomAD v4.1: 111 of 1,613,988 alleles (0.0069%); highest among the groups gnomAD compares: Middle Eastern, 0.082%; 1 homozygote.

Submissions (3):

Ambry Genetics
Classification: Uncertain significance for Inborn genetic diseases. Last evaluated: 2025-04-14. Review status: criteria provided, single submitter. Criteria: Ambry Variant Classification Scheme 2023. Collection method: clinical testing. Allele origin: germline.

Labcorp Genetics (formerly Invitae), Labcorp
Classification: Uncertain significance. Last evaluated: 2022-07-01. Review status: criteria provided, single submitter. Criteria: Invitae Variant Classification Sherloc (09022015). Collection method: clinical testing. Allele origin: germline.
Comment: This sequence change replaces arginine, which is basic and polar, with histidine, which is basic and polar, at codon 534 of the GPC6 protein (p.Arg534His). This variant is present in population databases (rs142131323, gnomAD 0.06%). This variant has not been reported in the literature in individuals affected with GPC6-related conditions. ClinVar contains an entry for this variant (Variation ID: 312555). Algorithms developed to predict the effect of missense changes on protein structure and function (SIFT, PolyPhen-2, Align-GVGD) all suggest that this variant is likely to be tolerated. In summary, the available evidence is currently insufficient to determine the role of this variant in disease. Therefore, it has been classified as a Variant of Uncertain Significance.

Illumina Laboratory Services, Illumina
Classification: Uncertain significance for Autosomal recessive omodysplasia. Last evaluated: 2018-01-13. Review status: criteria provided, single submitter. Criteria: ICSL Variant Classification Criteria 13 December 2019. Collection method: clinical testing. Allele origin: germline.